The following is an entry in ClinVar:

ClinVar aggregate classification (germline): Uncertain significance (1 of 4 stars; one submission).

Conditions:
Renal tubular acidosis with progressive nerve deafness. Also called: Distal Renal Tubular Acidosis with Progressive Sensorineural Deafness; renal tubular acidosis, distal, 2, with progressive sensorineural hearing loss; RENAL TUBULAR ACIDOSIS, AUTOSOMAL RECESSIVE, WITH PROGRESSIVE NERVE DEAFNESS; RTA WITH PROGRESSIVE NERVE DEAFNESS. Identifiers: MedGen C0403554, MONDO:0009968, OMIM 267300.

gnomAD v4.1: 4 of 1,614,064 alleles (0.00025%); highest among the groups gnomAD compares: South Asian, 0.0033%; no homozygotes.

Submission:

Neuberg Centre For Genomic Medicine, NCGM
Classification: Uncertain significance for Renal tubular acidosis with progressive nerve deafness. Review status: criteria provided, single submitter. Criteria: ACMG Guidelines, 2015. Collection method: clinical testing. Allele origin: germline. Affected: yes.
Comment: The missense variant p.P269Q in ATP6V1B1 (NM_001692.4) has not been reported previously as a pathogenic variant nor as a benign variant, to our knowledge. The p.P269Q variant is novel (not in any individuals) in gnomAD Exomes and is novel (not in any individuals) in 1000 Genomes. The p.P269Q missense variant is predicted to be damaging by both SIFT and PolyPhen2. The proline residue at codon 269 of ATP6V1B1 is conserved in all mammalian species. The nucleotide c.806 in ATP6V1B1 is predicted conserved by GERP++ and PhyloP across 100 vertebrates. For these reasons, this variant has been classified as Uncertain Significance.

NM_001692.4(ATP6V1B1):c.806C>A (p.Pro269Gln)

Gene: ATP6V1B1 (ATPase H+ transporting V1 subunit B1; plus strand). Cytogenetic location: 2p13.3.
Variant type: single nucleotide variant.
Coding change: c.806C>A on transcript NM_001692.4 (MANE Select); coding-DNA position 806, C replaced by A.
Protein change: p.Pro269Gln; replaces proline 269 with glutamine.
Molecular consequence: missense variant.
Genome position (GRCh38, 1-based): chr2:70,962,797, C>A. VCF-style: chr2-70962797-C-A. GRCh37 (hg19) VCF-style: chr2-71189927-C-A.
Other names: short protein forms P269Q.
Identifiers: ClinVar variation 1339007 (VCV001339007.2), dbSNP rs145090491, ClinGen allele CA347184686.